The following is an entry in ClinVar:

NM_133642.5(LARGE1):c.492-11A>G

Gene: LARGE1 (LARGE xylosyl- and glucuronyltransferase 1; minus strand). Cytogenetic location: 22q12.3.
Variant type: single nucleotide variant.
Coding change: c.492-11A>G on transcript NM_133642.5 (MANE Select); 11 bases into the intron before coding-DNA position 492, A replaced by G.
Molecular consequence: intron variant.
Genome position (GRCh38, 1-based): chr22:33,604,569, T>C on the plus strand (A>G on the coding strand, the complement: LARGE1 is on the minus strand). VCF-style: chr22-33604569-T-C. GRCh37 (hg19) VCF-style: chr22-34000555-T-C.
Other names: c.492-11A>G (NM_001362953.2, NM_001362949.2, NM_001378627.1 and 7 more transcripts).
Identifiers: ClinVar variation 382770 (VCV000382770.10), dbSNP rs142978441, ClinGen allele CA10203019.

ClinVar aggregate classification (germline): Likely benign. Review status: criteria provided, multiple submitters, no conflicts (2 of 4 stars). 3 submissions from 3 submitters: Likely benign (3). Last evaluated 2025-09-29.

Conditions:
Muscular dystrophy-dystroglycanopathy type B6 (MDDGB6). Also called: MUSCULAR DYSTROPHY, CONGENITAL, LARGE-RELATED; MUSCULAR DYSTROPHY, CONGENITAL, TYPE 1D; MUSCULAR DYSTROPHY-DYSTROGLYCANOPATHY (CONGENITAL WITH IMPAIRED INTELLECTUAL DEVELOPMENT), TYPE B, 6. Identifiers: MedGen C1837229, MONDO:0012138, OMIM 608840.

Allele frequency attached by ClinVar (database versions not stated): gnomAD exomes 0.00004 and 0.00008; ExAC 0.00013; gnomAD 0.00023 and 0.00024; TOPMed 0.00024; ESP Exome Variant Server 0.00038; 1000 Genomes Project 30x 0.00062; 1000 Genomes Project 0.00080.
gnomAD v4.1: 88 of 1,613,624 alleles (0.0055%); highest among the groups gnomAD compares: Middle Eastern, 0.12%; no homozygotes.

Submissions (3):

Labcorp Genetics (formerly Invitae), Labcorp
Classification: Likely benign for Muscular dystrophy-dystroglycanopathy type B6. Last evaluated: 2025-09-29. Review status: criteria provided, single submitter. Criteria: Invitae Variant Classification Sherloc (09022015). Collection method: clinical testing. Allele origin: germline.

Blueprint Genetics
Classification: Likely benign. Last evaluated: 2024-09-27. Review status: criteria provided, single submitter. Criteria: ACMG Guidelines, 2015. Collection method: clinical testing. Allele origin: germline.

GeneDx
Classification: Likely benign. Last evaluated: 2016-01-22. Review status: criteria provided, single submitter. Criteria: GeneDx Variant Classification (06012015). Collection method: clinical testing. Allele origin: germline. Affected: yes.
Comment: This variant is considered likely benign or benign based on one or more of the following criteria: it is a conservative change, it occurs at a poorly conserved position in the protein, it is predicted to be benign by multiple in silico algorithms, and/or has population frequency not consistent with disease.